The following is an entry in ClinVar:

NM_000083.3(CLCN1):c.2431A>C (p.Ser811Arg)

Gene: CLCN1 (chloride voltage-gated channel 1; plus strand). Cytogenetic location: 7q34.
Variant type: single nucleotide variant.
Coding change: c.2431A>C on transcript NM_000083.3 (MANE Select); coding-DNA position 2431, A replaced by C.
Protein change: p.Ser811Arg; replaces serine 811 with arginine.
Molecular consequence: missense variant. On other transcripts: non-coding transcript variant (1).
Genome position (GRCh38, 1-based): chr7:143,350,399, A>C. VCF-style: chr7-143350399-A-C. GRCh37 (hg19) VCF-style: chr7-143047492-A-C.
Other names: short protein forms S811R.
Identifiers: ClinVar variation 1500027 (VCV001500027.8), dbSNP rs2116396688, ClinGen allele CA369652528.
Genomic context (GRCh38, chr7:143,350,399, plus strand): 5'-TGATTTTCGTGACTTTCCTCCTCTGGCTGACAGATTGAGGCCTGGGAGCAGGAGCAGCTG[A>C]GCCAGCCTGTCTGTTTTGATTCCTGCTGTATTGACCAGTCTCCCTTCCAGCTGGTGGAGC-3'
Protein context (NP_000074.3, residues 801-821): EIEAWEQEQL[Ser811Arg]QPVCFDSCCI

ClinVar aggregate classification (germline): Uncertain significance (1 of 4 stars; one submission).

Conditions:
Congenital myotonia, autosomal recessive form. Also called: Becker Generalized Myotonia; BECKER DISEASE; myotonia congenita, autosomal recessive. Identifiers: Orphanet 614, MedGen C0751360, MONDO:0009715, OMIM 255700.
Congenital myotonia, autosomal dominant form (THD). Also called: THOMSEN DISEASE; Myotonia congenita autosomal dominant. Identifiers: Orphanet 614, MedGen C2936781, MONDO:0008055, OMIM 160800.

Submission:

Labcorp Genetics (formerly Invitae), Labcorp
Classification: Uncertain significance for Congenital myotonia, autosomal recessive form; Congenital myotonia, autosomal dominant form. Last evaluated: 2022-08-21. Review status: criteria provided, single submitter. Criteria: Invitae Variant Classification Sherloc (09022015). Collection method: clinical testing. Allele origin: germline.
Comment: This variant has not been reported in the literature in individuals affected with CLCN1-related conditions. This variant is not present in population databases (gnomAD no frequency). This sequence change replaces serine, which is neutral and polar, with arginine, which is basic and polar, at codon 811 of the CLCN1 protein (p.Ser811Arg). ClinVar contains an entry for this variant (Variation ID: 1500027). In summary, the available evidence is currently insufficient to determine the role of this variant in disease. Therefore, it has been classified as a Variant of Uncertain Significance. Advanced modeling of protein sequence and biophysical properties (such as structural, functional, and spatial information, amino acid conservation, physicochemical variation, residue mobility, and thermodynamic stability) performed at Invitae indicates that this missense variant is not expected to disrupt CLCN1 protein function.